The following is an entry in ClinVar:

NM_004946.3(DOCK2):c.5437A>C (p.Ser1813Arg)

Gene: DOCK2 (dedicator of cytokinesis 2; plus strand). Cytogenetic location: 5q35.1.
Variant type: single nucleotide variant.
Coding change: c.5437A>C on transcript NM_004946.3 (MANE Select); coding-DNA position 5437, A replaced by C.
Protein change: p.Ser1813Arg; replaces serine 1813 with arginine.
Molecular consequence: missense variant. On other transcripts: non-coding transcript variant (1).
Genome position (GRCh38, 1-based): chr5:170,082,802, A>C. VCF-style: chr5-170082802-A-C. GRCh37 (hg19) VCF-style: chr5-169509806-A-C.
Other names: short protein forms S1813R.
Identifiers: ClinVar variation 2132339 (VCV002132339.4), dbSNP rs1758079565, ClinGen allele CA362119795.
Genomic context (GRCh38, chr5:170,082,802, plus strand): 5'-GTGCTTAATCTGATAATCGCATCTTGGTTTTGTGCTTGTTTATTCTCTCAAAAGCTGGCC[A>C]GCAAATCGGCTGAAGAAGGCAAACAGATCCCAGACTCGCTGTCCACGGACCTGTGAGCTG-3'
Protein context (NP_004937.1, residues 1803-1823): VNQFFKTMLA[Ser1813Arg]KSAEEGKQIP

ClinVar aggregate classification (germline): Uncertain significance (1 of 4 stars; one submission).

Conditions:
DOCK2 deficiency. Also called: Immunodeficiency 40. Identifiers: Orphanet 447737, MedGen C4225328, MONDO:0014637, OMIM 616433.

Submission:

Labcorp Genetics (formerly Invitae), Labcorp
Classification: Uncertain significance for DOCK2 deficiency. Last evaluated: 2022-04-30. Review status: criteria provided, single submitter. Criteria: Invitae Variant Classification Sherloc (09022015). Collection method: clinical testing. Allele origin: germline.
Comment: In summary, the available evidence is currently insufficient to determine the role of this variant in disease. Therefore, it has been classified as a Variant of Uncertain Significance. Algorithms developed to predict the effect of missense changes on protein structure and function are either unavailable or do not agree on the potential impact of this missense change (SIFT: "Deleterious"; PolyPhen-2: "Benign"; Align-GVGD: "Class C0"). This variant has not been reported in the literature in individuals affected with DOCK2-related conditions. This variant is not present in population databases (gnomAD no frequency). This sequence change replaces serine, which is neutral and polar, with arginine, which is basic and polar, at codon 1813 of the DOCK2 protein (p.Ser1813Arg).